The following is an entry in ClinVar:

ClinVar aggregate classification (germline): Conflicting classifications of pathogenicity. Review status: criteria provided, conflicting classifications (1 of 4 stars). 3 submissions from 3 submitters: Uncertain significance (1); Likely benign (1). 1 of the submissions does not count toward it. Last evaluated 2022-07-20.

Conditions:
Fabry disease. Also called: ALPHA-GALACTOSIDASE A DEFICIENCY; ANDERSON-FABRY DISEASE; CERAMIDE TRIHEXOSIDASE DEFICIENCY; GLA DEFICIENCY; HEREDITARY DYSTOPIC LIPIDOSIS; Fabry's disease. Identifiers: Orphanet 324, MedGen C0002986, MONDO:0010526, OMIM 301500, HP:0001071. Disease mechanism: loss of function, Fabry disease is due to inactivating mutations in the X-linked GLA gene resulting in deficiency of the enzyme Alpha Galactosidase-A..

Submissions (3):

Labcorp Genetics (formerly Invitae), Labcorp
Classification: Uncertain significance for Fabry disease. Last evaluated: 2022-07-20. Review status: criteria provided, single submitter. Criteria: Invitae Variant Classification Sherloc (09022015). Collection method: clinical testing. Allele origin: germline.
Comment: This variant has not been reported in the literature in individuals affected with GLA-related conditions. This variant is not present in population databases (gnomAD no frequency). This sequence change affects codon 195 of the GLA mRNA. It is a 'silent' change, meaning that it does not change the encoded amino acid sequence of the GLA protein. ClinVar contains an entry for this variant (Variation ID: 928445). In summary, the available evidence is currently insufficient to determine the role of this variant in disease. Therefore, it has been classified as a Variant of Uncertain Significance. Algorithms developed to predict the effect of sequence changes on RNA splicing suggest that this variant may disrupt the consensus splice site.

Color Diagnostics, LLC DBA Color Health
Classification: Likely benign for Fabry disease. Last evaluated: 2019-12-03. Review status: criteria provided, single submitter. Criteria: ACMG Guidelines, 2015. Collection method: clinical testing. Allele origin: germline.

Natera, Inc.
Classification: Uncertain significance for Fabry disease. Last evaluated: 2025-01-03. Review status: no assertion criteria provided. Collection method: clinical testing. Allele origin: germline. Not counted in ClinVar's aggregate classification.

NM_000169.3(GLA):c.585C>T (p.Gly195=)

Genes: GLA (galactosidase alpha; minus strand), RPL36A-HNRNPH2 (RPL36A-HNRNPH2 readthrough; plus strand). Cytogenetic location: Xq22.1.
Variant type: single nucleotide variant.
Coding change: c.585C>T on transcript NM_000169.3 (MANE Select); coding-DNA position 585, C replaced by T.
Protein change: p.Gly195=; no amino-acid change (glycine 195 retained).
Molecular consequence: synonymous variant. On other transcripts: non-coding transcript variant (2), intron variant (2).
Genome position (GRCh38, 1-based): chrX:101,400,720, G>A on the plus strand (C>T on the coding strand, the complement: GLA is on the minus strand). VCF-style: chrX-101400720-G-A. GRCh37 (hg19) VCF-style: chrX-100655708-G-A.
Other names: c.708C>T, p.Gly236= (NM_001406747.1); c.585C>T, p.Gly195= (NM_001406748.1); c.300+5263G>A (NM_001199973.2); c.177+8898G>A (NM_001199974.2).
Identifiers: ClinVar variation 928445 (VCV000928445.8), dbSNP rs1928285510, ClinGen allele CA517520678.